The following is an entry in ClinVar:

NM_000486.6(AQP2):c.304G>A (p.Ala102Thr)

Gene: AQP2 (aquaporin 2; plus strand). Cytogenetic location: 12q13.12.
Variant type: single nucleotide variant.
Coding change: c.304G>A on transcript NM_000486.6 (MANE Select); coding-DNA position 304, G replaced by A.
Protein change: p.Ala102Thr; replaces alanine 102 with threonine.
Molecular consequence: missense variant.
Genome position (GRCh38, 1-based): chr12:49,951,134, G>A. VCF-style: chr12-49951134-G-A. GRCh37 (hg19) VCF-style: chr12-50344917-G-A.
Other names: short protein forms A102T.
Identifiers: ClinVar variation 2149974 (VCV002149974.5), dbSNP rs201047682, ClinGen allele CA6559195.

ClinVar aggregate classification (germline): Uncertain significance. Review status: criteria provided, multiple submitters, no conflicts (2 of 4 stars). 2 submissions from 2 submitters: Uncertain significance (2). Last evaluated 2025-02-24.

Conditions:
Diabetes insipidus, nephrogenic, autosomal (NDI2). Also called: Nephrogenic Diabetes Insipidus, Type II; Diabetes insipidus, nephrogenic, 2, autosomal. Identifiers: Orphanet 223, MedGen C1563706, MONDO:0007451, OMIM 125800.

Allele frequency attached by ClinVar (database versions not stated): 1000 Genomes Project 30x 0.00016; 1000 Genomes Project 0.00020.
gnomAD v4.1: 7 of 1,606,078 alleles (0.00044%); highest among the groups gnomAD compares: East Asian, 0.0067%; no homozygotes.

Submissions (2):

Labcorp Genetics (formerly Invitae), Labcorp
Classification: Uncertain significance. Last evaluated: 2025-02-24. Review status: criteria provided, single submitter. Criteria: Invitae Variant Classification Sherloc (09022015). Collection method: clinical testing. Allele origin: germline.
Comment: This sequence change replaces alanine, which is neutral and non-polar, with threonine, which is neutral and polar, at codon 102 of the AQP2 protein (p.Ala102Thr). This variant is present in population databases (rs201047682, gnomAD 0.007%). This variant has not been reported in the literature in individuals affected with AQP2-related conditions. ClinVar contains an entry for this variant (Variation ID: 2149974). Invitae Evidence Modeling of protein sequence and biophysical properties (such as structural, functional, and spatial information, amino acid conservation, physicochemical variation, residue mobility, and thermodynamic stability) indicates that this missense variant is not expected to disrupt AQP2 protein function with a negative predictive value of 80%. In summary, the available evidence is currently insufficient to determine the role of this variant in disease. Therefore, it has been classified as a Variant of Uncertain Significance.

Fulgent Genetics
Classification: Uncertain significance for Diabetes insipidus, nephrogenic, autosomal. Last evaluated: 2024-04-26. Review status: criteria provided, single submitter. Criteria: ACMG Guidelines, 2015. Collection method: clinical testing. Allele origin: germline.